The following is an entry in ClinVar:

ClinVar aggregate classification (germline): Conflicting classifications of pathogenicity. Review status: criteria provided, conflicting classifications (1 of 4 stars). 3 submissions from 3 submitters: Likely pathogenic (1); Uncertain significance (2). Last evaluated 2026-03-18.

Conditions:
Inborn genetic diseases. Identifiers: MedGen C0950123, MeSH D030342.

Allele frequency attached by ClinVar (database versions not stated): gnomAD exomes below 0.00001; TOPMed 0.00001.

Submissions (3):

GeneDx
Classification: Likely pathogenic. Last evaluated: 2026-03-18. Review status: criteria provided, single submitter. Criteria: GeneDx Variant Classification Process June 2021. Collection method: clinical testing. Allele origin: germline.
Comment: Frameshift variant predicted to result in abnormal protein length as the last 60 amino acid(s) are replaced with 1 different amino acid(s); Not observed at significant frequency in large population cohorts (gnomAD); This variant is associated with the following publications: (PMID: 28343630, 27479843, 28135719, 24262437, 31445185, 30850729)

Labcorp Genetics (formerly Invitae), Labcorp
Classification: Uncertain significance. Last evaluated: 2025-01-22. Review status: criteria provided, single submitter. Criteria: Invitae Variant Classification Sherloc (09022015). Collection method: clinical testing. Allele origin: germline.
Comment: This sequence change creates a premature translational stop signal (p.Leu546Argfs*2) in the PPM1D gene. While this is not anticipated to result in nonsense mediated decay, it is expected to disrupt the last 60 amino acid(s) of the PPM1D protein. This variant is not present in population databases (gnomAD no frequency). This variant has not been reported in the literature in individuals affected with PPM1D-related conditions. ClinVar contains an entry for this variant (Variation ID: 521766). Experimental studies and prediction algorithms are not available or were not evaluated, and the functional significance of this variant is currently unknown. In summary, the available evidence is currently insufficient to determine the role of this variant in disease. Therefore, it has been classified as a Variant of Uncertain Significance.

Ambry Genetics
Classification: Uncertain significance for Inborn genetic diseases. Last evaluated: 2017-05-03. Review status: criteria provided, single submitter. Criteria: Ambry exome assertion method (8-5-2015). Collection method: clinical testing. Allele origin: germline. Affected: yes. Observed: 1 variant allele.

Literature cited by the submitters: PubMed 28343630 (cited by Ambry Genetics); PubMed 27479843 (cited by Ambry Genetics); PubMed 28135719 (cited by Ambry Genetics).

NM_003620.4(PPM1D):c.1637del (p.Leu546fs)

Gene: PPM1D (protein phosphatase, Mg2+/Mn2+ dependent 1D; plus strand). Cytogenetic location: 17q23.2.
Variant type: Deletion.
Coding change: c.1637del on transcript NM_003620.4 (MANE Select); coding-DNA position 1637, one base deleted (T; older notation c.1637delT).
Protein change: p.Leu546fs; shifts the reading frame from leucine 546.
Molecular consequence: frameshift variant.
Genome position (GRCh38, 1-based): chr17:60,663,371, T deleted. VCF-style (leftmost placement, unchanged base first): chr17-60663370-CT-C. GRCh37 (hg19) VCF-style: chr17-58740731-CT-C.
Other names: c.1637delT (NM_003620.3); short protein forms L546fs.
Identifiers: ClinVar variation 521766 (VCV000521766.8), dbSNP rs1382039751, ClinGen allele CA658798919.
Genomic context (GRCh38, chr17:60,663,370, plus strand): 5'-ATTGAAAGAACCCCTCCAACAAACTTTAAAAGGACATTAGAAGAGTCCAATTCTGGCCCC[CT>C]GATGAAGAAGCATAGACGAAATGGCTTAAGTCGAAGTAGTGGTGCTCAGCCTGCAAGTCT-3'